The following is an entry in ClinVar:

NM_020207.7(ERCC6L2):c.2012C>G (p.Ser671Cys)

Gene: ERCC6L2 (ERCC excision repair 6 like 2; plus strand). Cytogenetic location: 9q22.32.
Variant type: single nucleotide variant.
Coding change: c.2012C>G on transcript NM_020207.7 (MANE Select); coding-DNA position 2012, C replaced by G.
Protein change: p.Ser671Cys; replaces serine 671 with cysteine.
Molecular consequence: missense variant. On other transcripts: non-coding transcript variant (1).
Genome position (GRCh38, 1-based): chr9:95,966,626, C>G. VCF-style: chr9-95966626-C-G. GRCh37 (hg19) VCF-style: chr9-98728908-C-G.
Other names: c.2012C>G, p.Ser671Cys (NM_001010895.4, NM_001375291.1, NM_001375292.1 and 2 more transcripts); short protein forms S671C.
Identifiers: ClinVar variation 3845974 (VCV003845974.1).

ClinVar aggregate classification (germline): Uncertain significance (1 of 4 stars; one submission).

Conditions:
Inborn genetic diseases. Identifiers: MedGen C0950123, MeSH D030342.

gnomAD v4.1: 1 of 1,546,754 alleles (0.000065%); no homozygotes.

Submission:

Ambry Genetics
Classification: Uncertain significance for Inborn genetic diseases. Last evaluated: 2025-03-02. Review status: criteria provided, single submitter. Criteria: Ambry Variant Classification Scheme 2023. Collection method: clinical testing. Allele origin: germline.
Comment: The p.S671C variant (also known as c.2012C>G), located in coding exon 14 of the ERCC6L2 gene, results from a C to G substitution at nucleotide position 2012. The serine at codon 671 is replaced by cysteine, an amino acid with dissimilar properties. This amino acid position is conserved. In addition, the in silico prediction for this alteration is inconclusive. Based on the available evidence, the clinical significance of this variant remains unclear.